The following is an entry in ClinVar:

ClinVar aggregate classification (germline): Uncertain significance (1 of 4 stars; one submission).

Conditions:
Early-infantile DEE. Also called: Ohtahara syndrome; Early infantile epileptic encephalopathy; Early infantile epileptic encephalopathy with suppression bursts. Identifiers: Orphanet 1934, MedGen C0393706, MONDO:0800491.

gnomAD v4.1: 1 of 1,607,478 alleles (0.000062%); highest among the groups gnomAD compares: Non-Finnish European, 0.000085%; no homozygotes.

Submission:

Labcorp Genetics (formerly Invitae), Labcorp
Classification: Uncertain significance for Early-infantile DEE. Last evaluated: 2022-07-05. Review status: criteria provided, single submitter. Criteria: Invitae Variant Classification Sherloc (09022015). Collection method: clinical testing. Allele origin: germline.
Comment: In summary, the available evidence is currently insufficient to determine the role of this variant in disease. Therefore, it has been classified as a Variant of Uncertain Significance. Algorithms developed to predict the effect of sequence changes on RNA splicing suggest that this variant may create or strengthen a splice site. Algorithms developed to predict the effect of missense changes on protein structure and function (SIFT, PolyPhen-2, Align-GVGD) all suggest that this variant is likely to be disruptive. ClinVar contains an entry for this variant (Variation ID: 1523008). This variant has not been reported in the literature in individuals affected with CACNA2D2-related conditions. This variant is not present in population databases (gnomAD no frequency). This sequence change replaces arginine, which is basic and polar, with cysteine, which is neutral and slightly polar, at codon 736 of the CACNA2D2 protein (p.Arg736Cys).

NM_006030.4(CACNA2D2):c.2206C>T (p.Arg736Cys)

Genes: CACNA2D2 (calcium voltage-gated channel auxiliary subunit alpha2delta 2; minus strand), LOC101928965 (uncharacterized LOC101928965; plus strand), LOC127898564 (CYB561D2-LOC101928965; plus strand). Cytogenetic location: 3p21.31.
Variant type: single nucleotide variant.
Coding change: c.2206C>T on transcript NM_006030.4 (MANE Select); coding-DNA position 2206, C replaced by T.
Protein change: p.Arg736Cys; replaces arginine 736 with cysteine.
Molecular consequence: missense variant. On other transcripts: non-coding transcript variant (3).
Genome position (GRCh38, 1-based): chr3:50,367,840, G>A on the plus strand (C>T on the coding strand, the complement: CACNA2D2 is on the minus strand). VCF-style: chr3-50367840-G-A. GRCh37 (hg19) VCF-style: chr3-50405271-G-A.
Other names: c.2206C>T, p.Arg736Cys (NM_001005505.3); c.2227C>T, p.Arg743Cys (NM_001174051.3); c.1999C>T, p.Arg667Cys (NM_001291101.1); short protein forms R667C, R736C, R743C.
Identifiers: ClinVar variation 1523008 (VCV001523008.7), dbSNP rs2109411511, ClinGen allele CA352915102.